The following is an entry in ClinVar:

NM_001457.4(FLNB):c.7100T>C (p.Val2367Ala)

Genes: FLNB-AS1 (FLNB antisense RNA 1; minus strand), FLNB (filamin B; plus strand). Cytogenetic location: 3p14.3.
Variant type: single nucleotide variant.
Coding change: c.7100T>C on transcript NM_001457.4 (MANE Select); coding-DNA position 7100, T replaced by C.
Protein change: p.Val2367Ala; replaces valine 2367 with alanine.
Molecular consequence: missense variant. On other transcripts: non-coding transcript variant (1).
Genome position (GRCh38, 1-based): chr3:58,163,232, T>C. VCF-style: chr3-58163232-T-C. GRCh37 (hg19) VCF-style: chr3-58148959-T-C.
Other names: c.7193T>C, p.Val2398Ala (NM_001164317.2); c.7067T>C, p.Val2356Ala (NM_001164318.2); c.7028T>C, p.Val2343Ala (NM_001164319.2); short protein forms V2356A, V2343A, V2398A, V2367A.
Identifiers: ClinVar variation 2963234 (VCV002963234.3), dbSNP rs1305986217, ClinGen allele CA353364586.

ClinVar aggregate classification (germline): Uncertain significance (1 of 4 stars; one submission).

Allele frequency attached by ClinVar (database versions not stated): gnomAD exomes below 0.00001.
gnomAD v4.1: 4 of 1,614,200 alleles (0.00025%); highest among the groups gnomAD compares: Non-Finnish European, 0.00034%; no homozygotes.

Submission:

Labcorp Genetics (formerly Invitae), Labcorp
Classification: Uncertain significance. Last evaluated: 2025-12-24. Review status: criteria provided, single submitter. Criteria: Invitae Variant Classification Sherloc (09022015). Collection method: clinical testing. Allele origin: germline.
Comment: This sequence change replaces valine, which is neutral and non-polar, with alanine, which is neutral and non-polar, at codon 2367 of the FLNB protein (p.Val2367Ala). This variant is present in population databases (no rsID available, gnomAD 0.002%). This variant has not been reported in the literature in individuals affected with FLNB-related conditions. ClinVar contains an entry for this variant (Variation ID: 2963234). Invitae Evidence Modeling of protein sequence and biophysical properties (such as structural, functional, and spatial information, amino acid conservation, physicochemical variation, residue mobility, and thermodynamic stability) indicates that this missense variant is not expected to disrupt FLNB protein function with a negative predictive value of 95%. In summary, the available evidence is currently insufficient to determine the role of this variant in disease. Therefore, it has been classified as a Variant of Uncertain Significance.